The following is an entry in ClinVar:

ClinVar aggregate classification (germline): Uncertain significance. Review status: criteria provided, multiple submitters, no conflicts (2 of 4 stars). 2 submissions from 2 submitters: Uncertain significance (2). Last evaluated 2024-11-04.

Conditions:
Inborn genetic diseases. Identifiers: MedGen C0950123, MeSH D030342.

Allele frequency attached by ClinVar (database versions not stated): gnomAD exomes 0.00001; gnomAD 0.00003; ExAC 0.00004.
gnomAD v4.1: 15 of 1,611,764 alleles (0.00093%); highest among the groups gnomAD compares: South Asian, 0.0088%; no homozygotes.

Submissions (2):

Labcorp Genetics (formerly Invitae), Labcorp
Classification: Uncertain significance. Last evaluated: 2024-11-04. Review status: criteria provided, single submitter. Criteria: Invitae Variant Classification Sherloc (09022015). Collection method: clinical testing. Allele origin: germline.
Comment: This sequence change replaces threonine, which is neutral and polar, with alanine, which is neutral and non-polar, at codon 1939 of the ATR protein (p.Thr1939Ala). This variant is present in population databases (rs776703074, gnomAD 0.007%). This variant has not been reported in the literature in individuals affected with ATR-related conditions. ClinVar contains an entry for this variant (Variation ID: 1749862). An algorithm developed to predict the effect of missense changes on protein structure and function (PolyPhen-2) suggests that this variant is likely to be tolerated. In summary, the available evidence is currently insufficient to determine the role of this variant in disease. Therefore, it has been classified as a Variant of Uncertain Significance.

Ambry Genetics
Classification: Uncertain significance for Inborn genetic diseases. Last evaluated: 2024-09-16. Review status: criteria provided, single submitter. Criteria: Ambry Variant Classification Scheme 2023. Collection method: clinical testing. Allele origin: germline.
Comment: The p.T1939A variant (also known as c.5815A>G), located in coding exon 34 of the ATR gene, results from an A to G substitution at nucleotide position 5815. The threonine at codon 1939 is replaced by alanine, an amino acid with similar properties. This amino acid position is conserved. In addition, this alteration is predicted to be tolerated by in silico analysis. Since supporting evidence is limited at this time, the clinical significance of this alteration remains unclear.

NM_001184.4(ATR):c.5815A>G (p.Thr1939Ala)

Gene: ATR (ATR checkpoint kinase; minus strand). Cytogenetic location: 3q23.
Variant type: single nucleotide variant.
Coding change: c.5815A>G on transcript NM_001184.4 (MANE Select); coding-DNA position 5815, A replaced by G.
Protein change: p.Thr1939Ala; replaces threonine 1939 with alanine.
Molecular consequence: missense variant.
Genome position (GRCh38, 1-based): chr3:142,496,444, T>C on the plus strand (A>G on the coding strand, the complement: ATR is on the minus strand). VCF-style: chr3-142496444-T-C. GRCh37 (hg19) VCF-style: chr3-142215286-T-C.
Other names: c.5623A>G, p.Thr1875Ala (NM_001354579.2); short protein forms T1939A, T1875A.
Identifiers: ClinVar variation 1749862 (VCV001749862.5), dbSNP rs776703074, ClinGen allele CA2649526.